The following is an entry in ClinVar:

ClinVar aggregate classification (germline): Uncertain significance (1 of 4 stars; one submission).

Submission:

Labcorp Genetics (formerly Invitae), Labcorp
Classification: Uncertain significance. Last evaluated: 2025-05-18. Review status: criteria provided, single submitter. Criteria: Invitae Variant Classification Sherloc (09022015). Collection method: clinical testing. Allele origin: germline.
Comment: This sequence change replaces threonine, which is neutral and polar, with methionine, which is neutral and non-polar, at codon 111 of the CDH2 protein (p.Thr111Met). Information on the frequency of this variant in the gnomAD database is not available, as this variant may be reported differently in the database. This variant has not been reported in the literature in individuals affected with CDH2-related conditions. An algorithm developed to predict the effect of missense changes on protein structure and function (PolyPhen-2) suggests that this variant is likely to be disruptive. In summary, the available evidence is currently insufficient to determine the role of this variant in disease. Therefore, it has been classified as a Variant of Uncertain Significance.

NM_001792.5(CDH2):c.332_333delinsTG (p.Thr111Met)

Gene: CDH2 (cadherin 2; minus strand). Cytogenetic location: 18q12.1.
Variant type: Indel.
Coding change: c.332_333delinsTG on transcript NM_001792.5 (MANE Select); coding-DNA positions 332 to 333, CC replaced by TG.
Protein change: p.Thr111Met; replaces threonine 111 with methionine.
Molecular consequence: missense variant.
Genome position (GRCh38, 1-based): chr18:28,013,749-28,013,750, GG replaced by CA on the plus strand (CC replaced by TG on the coding strand, the reverse complement: CDH2 is on the minus strand). VCF-style: chr18-28013749-GG-CA. GRCh37 (hg19) VCF-style: chr18-25593713-GG-CA.
Other names: c.239_240delinsTG, p.Thr80Met (NM_001308176.2); short protein forms T80M, T111M.
Identifiers: ClinVar variation 4747944 (VCV004747944.1).